The following is an entry in ClinVar:

ClinVar aggregate classification (germline): Likely benign (0 of 4 stars; one submission).

Conditions:
ACSL6-related disorder. Also called: ACSL6-related condition.

Allele frequency attached by ClinVar (database versions not stated): gnomAD exomes 0.00019; ExAC 0.00024; gnomAD 0.00028; ESP Exome Variant Server 0.00031; TOPMed 0.00033; 1000 Genomes Project 0.00060; 1000 Genomes Project 30x 0.00062.

Submission:

PreventionGenetics, part of Exact Sciences
Classification: Likely benign for ACSL6-related condition. Last evaluated: 2019-10-28. Review status: no assertion criteria provided. Collection method: clinical testing. Allele origin: germline.
Comment: This variant is classified as likely benign based on ACMG/AMP sequence variant interpretation guidelines (Richards et al. 2015 PMID: 25741868, with internal and published modifications).

NM_001009185.3(ACSL6):c.9C>T (p.Thr3=)

Gene: ACSL6 (acyl-CoA synthetase long chain family member 6; minus strand). Cytogenetic location: 5q31.1.
Variant type: single nucleotide variant.
Coding change: c.9C>T on transcript NM_001009185.3 (MANE Select); coding-DNA position 9, C replaced by T.
Protein change: p.Thr3=; no amino-acid change (threonine 3 retained).
Molecular consequence: synonymous variant. On other transcripts: 5 prime UTR variant (2), non-coding transcript variant (2), intron variant (9).
Genome position (GRCh38, 1-based): chr5:132,011,545, G>A on the plus strand (C>T on the coding strand, the complement: ACSL6 is on the minus strand). VCF-style: chr5-132011545-G-A. GRCh37 (hg19) VCF-style: chr5-131347238-G-A.
Other names: c.9C>T, p.Thr3= (NM_001205247.2, NM_001405477.1, NM_001405485.1 and 2 more transcripts); c.-371C>T (NM_001405476.1); c.-101C>T (NM_001405487.1); c.-27+544C>T (NM_001405488.1, NM_001405479.1); c.7+369C>T (NM_001205250.1, NM_001405478.1); c.-27+276C>T (NM_001405490.1); c.-27+225C>T (NM_001205251.2, NM_001205248.2, NM_001405480.1 and 1 more transcripts).
Identifiers: ClinVar variation 3040468 (VCV003040468.2), dbSNP rs145839757, ClinGen allele CA3401895.